The following is an entry in ClinVar:

ClinVar aggregate classification (germline): Pathogenic. Review status: criteria provided, multiple submitters, no conflicts (2 of 4 stars). 5 submissions from 5 submitters: Pathogenic (4). 1 of the submissions does not count toward it. Last evaluated 2026-08-11.

Conditions:
Inborn genetic diseases. Identifiers: MedGen C0950123, MeSH D030342.
Hyperkalemic periodic paralysis. Also called: Gamstorp disease; Familial hyperkalemic periodic paralysis. Identifiers: Orphanet 682, MedGen C0238357, MONDO:0008224, OMIM 170500, HP:0007215.
Hypokalemic periodic paralysis, type 2 (HOKPP2). Identifiers: Orphanet 681, MedGen C2750061, MONDO:0013234, OMIM 613345.

Submissions (5):

GeneDx
Classification: Pathogenic. Last evaluated: 2026-08-11. Review status: criteria provided, single submitter. Criteria: GeneDx Variant Classification Process June 2021. Collection method: clinical testing. Allele origin: germline.
Comment: Observed in affected individuals with myotonia in several unrelated families in published literature. Additional individuals within these same families also share a similar phenotype suggesting autosomal dominant inheritance, however segregation data could not be confirmed (PMID: 10851391, 29606556); Published functional studies demonstrate a damaging effect resulting in SCN4A, the alpha subunit of the sodium channel, having greater sensitivity to pH and temperature changes (PMID: 29674667, 14557559); Not observed at significant frequency in large population cohorts (gnomAD); In silico analysis supports that this missense variant has a deleterious effect on protein structure/function; This variant is associated with the following publications: (PMID: 25454733, 17898326, 16193245, 16195244, 14557559, 33836525, 34027742, Ghovanloo2021, 21221019, 26986070, 33325393, 32527974, 28940424, 18337730, 10851391, 29606556, 29674667, 27164696, 38609989, 29451154)

Labcorp Genetics (formerly Invitae), Labcorp
Classification: Pathogenic for Hyperkalemic periodic paralysis. Last evaluated: 2025-11-11. Review status: criteria provided, single submitter. Criteria: Invitae Variant Classification Sherloc (09022015). Collection method: clinical testing. Allele origin: germline.
Comment: This sequence change replaces proline, which is neutral and non-polar, with serine, which is neutral and polar, at codon 1158 of the SCN4A protein (p.Pro1158Ser). This variant is not present in population databases (gnomAD no frequency). This missense change has been observed in individuals with myotonia congenita (PMID: 10851391, 21221019). It has also been observed to segregate with disease in related individuals. ClinVar contains an entry for this variant (Variation ID: 5917). Invitae Evidence Modeling of protein sequence and biophysical properties (such as structural, functional, and spatial information, amino acid conservation, physicochemical variation, residue mobility, and thermodynamic stability) indicates that this missense variant is expected to disrupt SCN4A protein function with a positive predictive value of 95%. Experimental studies have shown that this missense change affects SCN4A function (PMID: 14557559, 17898326). For these reasons, this variant has been classified as Pathogenic.

Ambry Genetics
Classification: Pathogenic for Inborn genetic diseases. Last evaluated: 2025-09-08. Review status: criteria provided, single submitter. Criteria: Ambry Variant Classification Scheme 2023. Collection method: clinical testing. Allele origin: germline.
Comment: The c.3472C>T (p.P1158S) alteration is located in exon 19 (coding exon 19) of the SCN4A gene. This alteration results from a C to T substitution at nucleotide position 3472, causing the proline (P) at amino acid position 1158 to be replaced by a serine (S). for autosomal dominant SCN4A-related myotonia and/or periodic paralysis; however, its clinical significance for autosomal recessive SCN4A-related congenital myasthenic syndrome is uncertain. This variant was not reported in population-based cohorts in the Genome Aggregation Database (gnomAD). This variant was identified in one or more individuals with features consistent with SCN4A-related myotonia and/or periodic paralysis and segregated with disease in at least one family (Sugiura, 2000; Modoni, 2011; Stunnenberg, 2018; Ambry internal data). Additionally, other variants at the same codon, c.3473C>T (p.P1158L) and c.3472C>G (p.P1158A), have been identified in individual(s) with features consistent with SCN4A-related myotonia and/or periodic paralysis (Desaphy, 2016; Xu, 2018). Patch clamp experiments showed temperature-dependent negative shifts in the voltage dependence of activation and inactivation as well as a slower rate of inactivation for the P1158S channels as compared to wild type channels (Sugiura, 2003). Voltage-clamp studies of Na currents showed that wildtype and P1158S channels displayed comparable behavior at 37 &deg;C, but upon cooling to 25 &deg;C, mutant channels activated at more negative potentials and slow inactivation was destabilized (Webb, 2008). This alteration is predicted to be deleterious by in silico analysis. Based on the available evidence, this alteration is classified as pathogenic.

Athena Diagnostics
Classification: Pathogenic. Last evaluated: 2024-12-31. Review status: criteria provided, single submitter. Criteria: Athena Diagnostics Criteria. Collection method: clinical testing. Allele origin: unknown.
Comment: This variant has not been reported in large, multi-ethnic general populations. This variant has been identified in multiple individuals with an autosomal dominant SCN4A-related myotonic syndrome. Assessment of experimental evidence suggests this variant results in abnormal protein function. (PMID: 14557559, 17898326, 29674667) The variant is located in a region that is considered important for protein function and/or structure. At least one other missense variant at this codon is considered to be pathogenic or likely pathogenic, suggesting this variant may also cause disease.

OMIM
Classification: Pathogenic for HYPOKALEMIC PERIODIC PARALYSIS, TYPE 2. Last evaluated: 2003-10-14. Review status: no assertion criteria provided. Collection method: literature only. Allele origin: germline. Not counted in ClinVar's aggregate classification.

Literature cited by the submitters: PubMed 10851391 (cited by 4 submitters); PubMed 21221019 (cited by Labcorp Genetics (formerly Invitae), Labcorp and Ambry Genetics); PubMed 14557559 (cited by 4 submitters); PubMed 17898326 (cited by 3 submitters); PubMed 27164696 (cited by Ambry Genetics); PubMed 29451154 (cited by Ambry Genetics); PubMed 29606556 (cited by Ambry Genetics); PubMed 25454733 (cited by Athena Diagnostics); PubMed 18337730 (cited by Athena Diagnostics); PubMed 29674667 (cited by Athena Diagnostics).

NM_000334.4(SCN4A):c.3472C>T (p.Pro1158Ser)

Genes: GH-LCR (growth hormone locus control region; plus strand), SCN4A (sodium voltage-gated channel alpha subunit 4; minus strand). Cytogenetic location: 17q23.3.
Variant type: single nucleotide variant.
Coding change: c.3472C>T on transcript NM_000334.4 (MANE Select); coding-DNA position 3472, C replaced by T.
Protein change: p.Pro1158Ser; replaces proline 1158 with serine.
Molecular consequence: missense variant.
Genome position (GRCh38, 1-based): chr17:63,945,608, G>A on the plus strand (C>T on the coding strand, the complement: SCN4A is on the minus strand). VCF-style: chr17-63945608-G-A. GRCh37 (hg19) VCF-style: chr17-62022968-G-A.
Other names: short protein forms P1158S.
Identifiers: ClinVar variation 5917 (VCV000005917.21), dbSNP rs121908555, ClinGen allele CA253655.